The following is an entry in ClinVar:

NM_005216.5(DDOST):c.782C>T (p.Pro261Leu)

Gene: DDOST (dolichyl-diphosphooligosaccharide--protein glycosyltransferase non-catalytic subunit; minus strand). Cytogenetic location: 1p36.12.
Variant type: single nucleotide variant.
Coding change: c.782C>T on transcript NM_005216.5 (MANE Select); coding-DNA position 782, C replaced by T.
Protein change: p.Pro261Leu; replaces proline 261 with leucine.
Molecular consequence: missense variant.
Genome position (GRCh38, 1-based): chr1:20,654,235, G>A on the plus strand (C>T on the coding strand, the complement: DDOST is on the minus strand). VCF-style: chr1-20654235-G-A. GRCh37 (hg19) VCF-style: chr1-20980728-G-A.
Other names: short protein forms P261L.
Identifiers: ClinVar variation 1414963 (VCV001414963.6), dbSNP rs2154534235, ClinGen allele CA338850169.

ClinVar aggregate classification (germline): Uncertain significance (1 of 4 stars; one submission).

Conditions:
Congenital disorder of glycosylation type Ir (CDG1R). Also called: DDOST-congenital disorder of glycosylation. Identifiers: Orphanet 300536, MedGen C3281084, MONDO:0013789, OMIM 614507.

gnomAD v4.1: 1 of 1,550,674 alleles (0.000064%); highest among the groups gnomAD compares: Non-Finnish European, 0.000087%; no homozygotes.

Submission:

Labcorp Genetics (formerly Invitae), Labcorp
Classification: Uncertain significance for Congenital disorder of glycosylation type Ir. Last evaluated: 2022-11-01. Review status: criteria provided, single submitter. Criteria: Invitae Variant Classification Sherloc (09022015). Collection method: clinical testing. Allele origin: germline.
Comment: In summary, the available evidence is currently insufficient to determine the role of this variant in disease. Therefore, it has been classified as a Variant of Uncertain Significance. Algorithms developed to predict the effect of missense changes on protein structure and function are either unavailable or do not agree on the potential impact of this missense change (SIFT: "Deleterious"; PolyPhen-2: "Benign"; Align-GVGD: "Class C0"). ClinVar contains an entry for this variant (Variation ID: 1414963). This variant has not been reported in the literature in individuals affected with DDOST-related conditions. This variant is not present in population databases (gnomAD no frequency). This sequence change replaces proline, which is neutral and non-polar, with leucine, which is neutral and non-polar, at codon 278 of the DDOST protein (p.Pro278Leu).